The following is an entry in ClinVar:

NM_024876.4(COQ8B):c.555C>G (p.Phe185Leu)

Gene: COQ8B (coenzyme Q8B; minus strand). Cytogenetic location: 19q13.2.
Variant type: single nucleotide variant.
Coding change: c.555C>G on transcript NM_024876.4 (MANE Select); coding-DNA position 555, C replaced by G.
Protein change: p.Phe185Leu; replaces phenylalanine 185 with leucine.
Molecular consequence: missense variant.
Genome position (GRCh38, 1-based): chr19:40,705,117, G>C on the plus strand (C>G on the coding strand, the complement: COQ8B is on the minus strand). VCF-style: chr19-40705117-G-C. GRCh37 (hg19) VCF-style: chr19-41211022-G-C.
Other names: c.432C>G, p.Phe144Leu (NM_001142555.3); short protein forms F144L, F185L.
Identifiers: ClinVar variation 3893305 (VCV003893305.2).

ClinVar aggregate classification (germline): Uncertain significance. Review status: criteria provided, multiple submitters, no conflicts (2 of 4 stars). 2 submissions from 2 submitters: Uncertain significance (2). Last evaluated 2025-08-11.

Conditions:
Nephrotic syndrome, type 9 (NPHS9). Identifiers: Orphanet 656, MedGen C3809965, MONDO:0014257, OMIM 615573.

gnomAD v4.1: 80 of 1,611,318 alleles (0.005%); highest among the groups gnomAD compares: African/African-American, 0.096%; no homozygotes.

Submissions (2):

Clinical Genomics Laboratory, Washington University in St. Louis
Classification: Uncertain significance for Nephrotic syndrome, type 9. Last evaluated: 2025-08-11. Review status: criteria provided, single submitter. Criteria: ACMG Guidelines, 2015. Collection method: clinical testing. Allele origin: germline.
Comment: A COQ8B c.555C>G (p. Phe185Leu) variant was identified in a heterozygous state. To our knowledge, it has not been reported in the medical literature. This variant is observed in 80/1,611,318 alleles in the general population (gnomAD v.4.1.0). Computational predictors are uncertain as to the impact of this variant on COQ8B protein function. Due to limited information, and based on ACMG/AMP guidelines for variant interpretation (Richards S et al., PMID: 25741868), the clinical significance of this variant is uncertain at this time.

GeneDx
Classification: Uncertain significance. Last evaluated: 2024-10-22. Review status: criteria provided, single submitter. Criteria: GeneDx Variant Classification Process June 2021. Collection method: clinical testing. Allele origin: germline. Affected: yes.
Comment: In silico analysis supports that this missense variant has a deleterious effect on protein structure/function; Has not been previously published as pathogenic or benign to our knowledge